The following is an entry in ClinVar:

ClinVar aggregate classification (germline): Likely benign (1 of 4 stars; one submission).

Submission:

CeGaT Center for Human Genetics Tuebingen
Classification: Likely benign. Last evaluated: 2025-02-01. Review status: criteria provided, single submitter. Criteria: CeGaT Center For Human Genetics Tuebingen Variant Classification Criteria Version 2. Collection method: clinical testing. Allele origin: germline. Affected: yes. Observed: 1 variant allele.
Comment: TOR1A: BP4, BP7

NC_000009.12:g.129824164T>G

Genes: TOR1A (torsin family 1 member A; minus strand), LOC130002772 (ATAC-STARR-seq lymphoblastoid active region 29122; plus strand). Cytogenetic location: 9q34.11.
Variant type: single nucleotide variant.
Genome position: GRCh38 VCF-style: chr9-129824164-T-G. GRCh37 (hg19) VCF-style: chr9-132586443-T-G.
Identifiers: ClinVar variation 3770940 (VCV003770940.13).